The following is an entry in ClinVar:

NM_000088.4(COL1A1):c.299-10C>A

Gene: COL1A1 (collagen type I alpha 1 chain; minus strand). Cytogenetic location: 17q21.33.
Variant type: single nucleotide variant.
Coding change: c.299-10C>A on transcript NM_000088.4 (MANE Select); 10 bases into the intron before coding-DNA position 299, C replaced by A.
Molecular consequence: intron variant.
Genome position (GRCh38, 1-based): chr17:50,199,600, G>T on the plus strand (C>A on the coding strand, the complement: COL1A1 is on the minus strand). VCF-style: chr17-50199600-G-T. GRCh37 (hg19) VCF-style: chr17-48276961-G-T.
Identifiers: ClinVar variation 3778712 (VCV003778712.1).

ClinVar aggregate classification (germline): Uncertain significance (1 of 4 stars; one submission).

Conditions:
Osteogenesis imperfecta type III (OI3). Also called: Osteogenesis imperfecta type 3; OI type 3; Osteogenesis imperfecta, progressively deforming with normal sclerae; OI type III; Progressively Deforming Osteogenesis Imperfecta. Identifiers: Orphanet 216812, Orphanet 666, MedGen C0268362, MONDO:0009804, OMIM 259420.

Submission:

Institute of Human Genetics, University of Leipzig Medical Center
Classification: Uncertain significance for Osteogenesis imperfecta type III. Last evaluated: 2025-03-20. Review status: criteria provided, single submitter. Criteria: ACMG Guidelines, 2015. Collection method: clinical testing. Allele origin: maternal. Inheritance: Autosomal dominant inheritance. Affected: yes.
Comment: Criteria applied: PM2,PP3